The following is an entry in ClinVar:

ClinVar aggregate classification (germline): Uncertain significance (1 of 4 stars; one submission).

Allele frequency attached by ClinVar (database versions not stated): ExAC 0.00002; gnomAD 0.00002; gnomAD exomes 0.00005; ESP Exome Variant Server 0.00008; TOPMed 0.00001.
gnomAD v4.1: 69 of 1,612,990 alleles (0.0043%); highest among the groups gnomAD compares: Non-Finnish European, 0.0058%; no homozygotes.

Submission:

Labcorp Genetics (formerly Invitae), Labcorp
Classification: Uncertain significance. Last evaluated: 2023-05-23. Review status: criteria provided, single submitter. Criteria: Invitae Variant Classification Sherloc (09022015). Collection method: clinical testing. Allele origin: germline.
Comment: This sequence change replaces glutamine, which is neutral and polar, with histidine, which is basic and polar, at codon 730 of the RUSC2 protein (p.Gln730His). This variant is present in population databases (rs141185107, gnomAD 0.004%). This variant has not been reported in the literature in individuals affected with RUSC2-related conditions. ClinVar contains an entry for this variant (Variation ID: 1946435). An algorithm developed to predict the effect of missense changes on protein structure and function (PolyPhen-2) suggests that this variant is likely to be disruptive. In summary, the available evidence is currently insufficient to determine the role of this variant in disease. Therefore, it has been classified as a Variant of Uncertain Significance.

NM_014806.5(RUSC2):c.2190G>T (p.Gln730His)

Gene: RUSC2 (RUN and SH3 domain containing 2; plus strand). Cytogenetic location: 9p13.3.
Variant type: single nucleotide variant.
Coding change: c.2190G>T on transcript NM_014806.5 (MANE Select); coding-DNA position 2190, G replaced by T.
Protein change: p.Gln730His; replaces glutamine 730 with histidine.
Molecular consequence: missense variant. On other transcripts: 5 prime UTR variant (1), non-coding transcript variant (1).
Genome position (GRCh38, 1-based): chr9:35,555,235, G>T. VCF-style: chr9-35555235-G-T. GRCh37 (hg19) VCF-style: chr9-35555232-G-T.
Other names: c.2190G>T, p.Gln730His (NM_001135999.2); c.-445G>T (NM_001330740.2); short protein forms Q730H.
Identifiers: ClinVar variation 1946435 (VCV001946435.4), dbSNP rs141185107, ClinGen allele CA5043824.